The following is an entry in ClinVar:

ClinVar aggregate classification (germline): Pathogenic. Review status: reviewed by expert panel (3 of 4 stars). 51 submissions from 49 submitters: Pathogenic (1). 50 of the submissions do not count toward it. Last evaluated 2017-04-03.

Conditions:
SHOC2-related disorder. Also called: SHOC2-related condition.
Noonan syndrome-like disorder with loose anagen hair 1 (NSLH1). Also called: TOSTI SYNDROME; MAZZANTI SYNDROME. Identifiers: Orphanet 2701, MedGen C4478716, MONDO:0054637, OMIM 607721.
Pectus excavatum. Also called: funnel chest. Identifiers: MedGen C2051831, MONDO:0008213, OMIM 169300, HP:0000767.
Polycystic kidney disease 4 (PKD4). Also called: PKD3; POLYCYSTIC KIDNEY DISEASE 4 WITH OR WITHOUT POLYCYSTIC LIVER DISEASE; POLYCYSTIC KIDNEY AND HEPATIC DISEASE 1; POLYCYSTIC KIDNEY DISEASE, INFANTILE, TYPE I; Autosomal Recessive Polycystic Kidney Disease – PKHD1. Identifiers: MedGen C4540575, MONDO:0033004, OMIM 263200.
Noonan syndrome and Noonan-related syndrome. Identifiers: Orphanet 98733, MedGen C5681679, MONDO:0020297.
Noonan syndrome-like disorder with loose anagen hair (NS/LAH). Also called: Noonan-like syndrome with loose anagen hair. Identifiers: Orphanet 2701, MedGen C1843181, MONDO:0011899.
Cardiovascular phenotype. Identifiers: MedGen CN230736.
Houge-Janssens syndrome 2. Also called: INTELLECTUAL DEVELOPMENTAL DISORDER, AUTOSOMAL DOMINANT 36; Microcephaly-corpus callosum hypoplasia-intellectual disability-facial dysmorphism syndrome; PPP2R1A-Related Neurodevelopmental Disorder. Identifiers: Orphanet 457284, MedGen C4225352, MONDO:0014605, OMIM 616362.
RASopathy. Also called: rasopathies; Noonan spectrum disorder. Identifiers: Orphanet 536391, MedGen C5555857, MONDO:0021060.
Noonan syndrome (NS). Also called: Noonan's syndrome. Identifiers: Orphanet 648, MedGen C0028326, MeSH D009634, MONDO:0018997. Disease mechanism: gain of function.

Allele frequency attached by ClinVar (database versions not stated): gnomAD exomes 0.00001; gnomAD 0.00001.
gnomAD v4.1: 6 of 1,613,004 alleles (0.00037%); highest among the groups gnomAD compares: Non-Finnish European, 0.00042%; no homozygotes.

Submissions 1 to 7 of 51:

ClinGen RASopathy Variant Curation Expert Panel
Classification: Pathogenic for Noonan syndrome-like disorder with loose anagen hair 1. Last evaluated: 2017-04-03. Review status: reviewed by expert panel. Criteria: ClinGen RASopathy ACMG Specifications v1. Collection method: curation. Allele origin: germline. Inheritance: Autosomal dominant inheritance.
Comment: The c.4A>G (p.Ser2Gly) variant in SHOC2 has been reported as a confirmed de novo occurrence in multiple patients with clinical features of a RASopathy (PS2_VeryStrong; Partners LMM, Institute of Human Genetics, Otto von Guericke University Magdeburg, APHP-Robert DebrâˆšÂ© Hospital internal data; GTR ID's: 21766, 506381, 28338; ClinVar SCV000062456.5, SCV000209051.10, SCV000263045.1 PMID 19684605, 21548061, 23918763, 22528146). The p.Ser2Gly variant has been identified in at least 5 independent occurrences in patients with clinical features of a RASopathy (PS4; Institute of Human Genetics, Otto von Guericke University Magdeburg, APHP-Robert DebrâˆšÂ© Hospital internal data GTR ID's: 506381, 28338; PMID: 25563136, 24458587). In vitro functional studies provide some evidence that the p.Ser2Gly variant may impact protein function (PS3; PMID: 19684605). This variant was absent from large population studies (PM2; ExAC). The variant is located in the SHOC2 gene, which has been defined by the ClinGen RASopathy Expert Panel as a gene with a low rate of benign missense variants and pathogenic missense variants are common (PP2; PMID: 29493581). In summary, this variant meets criteria to be classified as pathogenic for RASopathies in an autosomal dominant manner. Rasopathy-specific ACMG/AMP criteria applied (PMID:29493581): PS2_VeryStrong, PS3, PS4, PM2, PP2.

CeGaT Center for Human Genetics Tuebingen
Classification: Pathogenic. Last evaluated: 2026-09-01. Review status: criteria provided, single submitter. Criteria: CeGaT Center For Human Genetics Tuebingen Variant Classification Criteria Version 2. Collection method: clinical testing. Allele origin: germline. Affected: yes. Observed: 8 variant alleles. Not counted in ClinVar's aggregate classification.
Comment: SHOC2: PS2:Very Strong, PS4, PM2, PS3:Supporting

Victorian Clinical Genetics Services, Murdoch Childrens Research Institute
Classification: Pathogenic for Noonan syndrome-like disorder with loose anagen hair 1. Last evaluated: 2026-06-23. Review status: criteria provided, single submitter. Criteria: ACMG Guidelines, 2015. Collection method: clinical testing. Allele origin: germline. Affected: yes. Not counted in ClinVar's aggregate classification.
Comment: This variant is classified as Pathogenic. Evidence in support of pathogenic classification: Variant is present in gnomAD (v4) <0.001 for a dominant condition (6 heterozygotes, 0 homozygotes); This variant has strong previous evidence of pathogenicity in unrelated individuals. This variant has been classified as pathogenic for Noonan syndrome-like disorder with loose anagen hair 1 by the ClinGen RASopathy Variant Curation Expert Panel in ClinVar, and is reported in the literature as de novo in individuals with RASopathy (PMID: 25331583); This variant has moderate functional evidence supporting abnormal protein function. Functional studies have demonstrated this variant causes impaired nuclear translocation and MAPK activation (PMID: 19684605); Additional information: Variant is predicted to result in a missense amino acid change from Ser to Gly; This variant is heterozygous; This gene is associated with autosomal dominant disease; Variant is not located in an established domain, motif, hotspot or informative constraint region; Missense variant with inconclusive in silico prediction and/or uninformative conservation; Gain of function is a known mechanism of disease in this gene and is associated with Noonan syndrome-like with loose anagen hair (MIM#607721). Missense variants in this gene result in enhanced MAPK activation (OMIM, PMID: 19684605).

Labcorp Genetics (formerly Invitae), Labcorp
Classification: Pathogenic for RASopathy. Last evaluated: 2026-01-09. Review status: criteria provided, single submitter. Criteria: Invitae Variant Classification Sherloc (09022015). Collection method: clinical testing. Allele origin: germline. Not counted in ClinVar's aggregate classification.
Comment: This sequence change replaces serine, which is neutral and polar, with glycine, which is neutral and non-polar, at codon 2 of the SHOC2 protein (p.Ser2Gly). This variant is present in population databases (rs267607048, gnomAD 0.007%). This missense change has been observed in individual(s) with Noonan-like syndrome with loose anagen hair (PMID: 19684605, 20882035, 22995099, 23918763, 25123707, 25331583). In at least one individual the variant was observed to be de novo. ClinVar contains an entry for this variant (Variation ID: 6821). An algorithm developed to predict the effect of missense changes on protein structure and function (PolyPhen-2) suggests that this variant is likely to be disruptive. Experimental studies have shown that this missense change affects SHOC2 function (PMID: 19684605, 22606262). For these reasons, this variant has been classified as Pathogenic.

Ambry Genetics
Classification: Pathogenic for Cardiovascular phenotype. Last evaluated: 2025-10-01. Review status: criteria provided, single submitter. Criteria: Ambry Variant Classification Scheme 2023. Collection method: clinical testing. Allele origin: germline. Not counted in ClinVar's aggregate classification.
Comment: The c.4A>G (p.S2G) alteration is located in exon 2 (coding exon 1) of the SHOC2 gene. This alteration results from an A to G substitution at nucleotide position 4, causing the serine (S) at amino acid position 2 to be replaced by a glycine (G). Based on data from gnomAD, this allele has an overall frequency of 0.003% (1/31384) total alleles studied. The highest observed frequency was 0.007% (1/15428) of European (non-Finnish) alleles. This variant was reported in individual(s) with features consistent with SHOC2-related RASopathy; in at least one individual, it was determined to be de novo (Cordeddu, 2009; Capalbo, 2012; Gripp, 2013; Ambry internal data). This amino acid position is highly conserved in available vertebrate species. Functional analysis demonstrated that the p.S2G alteration introduces an N-myristoylation site, resulting in aberrant targeting of SHOC2 to the plasma membrane and impaired translocation to the nucleus upon growth factor stimulation (Cordeddu, 2009). The in silico prediction for this alteration is inconclusive. Based on the available evidence, this alteration is classified as pathogenic.

Daryl Scott Lab, Baylor College of Medicine
Classification: Pathogenic for Houge-Janssens syndrome 2. Last evaluated: 2025-08-25. Review status: criteria provided, single submitter. Criteria: ACMG Guidelines, 2015. Collection method: clinical testing. Allele origin: de novo. Affected: yes. Observed: 1 heterozygote. Not counted in ClinVar's aggregate classification.
Comment: PS2, PS3, PS4, PM2, PP2

3billion
Classification: Pathogenic for Noonan syndrome-like disorder with loose anagen hair 1. Last evaluated: 2025-06-10. Review status: criteria provided, single submitter. Criteria: ACMG Guidelines, 2015. Collection method: clinical testing. Allele origin: germline. Affected: yes. Not counted in ClinVar's aggregate classification.
Comment: The variant is observed at an extremely low frequency in the gnomAD v4.1.0 dataset (total allele frequency: <0.001%). Predicted Consequence/Location: The variant is located in a mutational hot spot and/or well-established functional domain in which established pathogenic variants have been reported (PMID: 29493581). Missense variant. Missense changes are a common disease-causing mechanism. Functional studies provide strong evidence of the variant having a damaging effect on the gene or gene product (PMID: 19684605). In silico tool predictions suggest damaging effect of the variant on gene or gene product [3Cnet: 0.80 (> 0.75, sensitivity 0.96 and precision 0.92)]. The same nucleotide change resulting in the same amino acid change has been previously reported as pathogenic/likely pathogenic with strong evidence (ClinVar ID: VCV000006821 /PMID: 19684605 /3billion dataset). The variant has been previously reported as de novo in at least two similarly affected unrelated individuals (PMID: 19684605, 21548061, 22528146, 23918763). The variant has been observed in multiple (>3) similarly affected unrelated individuals (PMID: 24458587, 25563136). The variant has been previously reported as assumed (i.e. paternity and maternity not confirmed) de novo in at least one similarly affected unrelated individual (3billion dataset). Therefore, this variant is classified as Pathogenic according to the recommendation of ACMG/AMP guideline.

NM_007373.4(SHOC2):c.4A>G (p.Ser2Gly)

Gene: SHOC2 (SHOC2 leucine rich repeat scaffold protein; plus strand). Cytogenetic location: 10q25.2.
Variant type: single nucleotide variant.
Coding change: c.4A>G on transcript NM_007373.4 (MANE Select); coding-DNA position 4, A replaced by G.
Protein change: p.Ser2Gly; replaces serine 2 with glycine.
Molecular consequence: missense variant.
Genome position (GRCh38, 1-based): chr10:110,964,362, A>G. VCF-style: chr10-110964362-A-G. GRCh37 (hg19) VCF-style: chr10-112724120-A-G.
Other names: p.S2G:AGT>GGT; NM_007373.3(SHOC2):c.4A>G; c.4A>G (NM_001269039.2); c.4A>G, p.Ser2Gly (NM_001269039.3, NM_001324336.2, NM_001324337.2); short protein forms S2G.
Identifiers: ClinVar variation 6821 (VCV000006821.122), dbSNP rs267607048, ClinGen allele CA118524.